The following is an entry in ClinVar:

NM_003482.4(KMT2D):c.6420C>G (p.Asp2140Glu)

Gene: KMT2D (lysine methyltransferase 2D; minus strand). Cytogenetic location: 12q13.12.
Variant type: single nucleotide variant.
Coding change: c.6420C>G on transcript NM_003482.4 (MANE Select); coding-DNA position 6420, C replaced by G.
Protein change: p.Asp2140Glu; replaces aspartic acid 2140 with glutamic acid.
Molecular consequence: missense variant.
Genome position (GRCh38, 1-based): chr12:49,041,350, G>C on the plus strand (C>G on the coding strand, the complement: KMT2D is on the minus strand). VCF-style: chr12-49041350-G-C. GRCh37 (hg19) VCF-style: chr12-49435133-G-C.
Other names: short protein forms D2140E.
Identifiers: ClinVar variation 2872039 (VCV002872039.3), dbSNP rs753607063, ClinGen allele CA384750926.

ClinVar aggregate classification (germline): Uncertain significance (1 of 4 stars; one submission).

Conditions:
Kabuki syndrome. Also called: NIIKAWA-KUROKI SYNDROME; Kabuki make-up syndrome. Identifiers: Orphanet 2322, MedGen C0796004, MONDO:0016512.

Submission:

Labcorp Genetics (formerly Invitae), Labcorp
Classification: Uncertain significance for Kabuki syndrome. Last evaluated: 2023-07-20. Review status: criteria provided, single submitter. Criteria: Invitae Variant Classification Sherloc (09022015). Collection method: clinical testing. Allele origin: germline.
Comment: This variant is not present in population databases (gnomAD no frequency). In summary, the available evidence is currently insufficient to determine the role of this variant in disease. Therefore, it has been classified as a Variant of Uncertain Significance. Advanced modeling of protein sequence and biophysical properties (such as structural, functional, and spatial information, amino acid conservation, physicochemical variation, residue mobility, and thermodynamic stability) performed at Invitae indicates that this missense variant is not expected to disrupt KMT2D protein function. This variant has not been reported in the literature in individuals affected with KMT2D-related conditions. This sequence change replaces aspartic acid, which is acidic and polar, with glutamic acid, which is acidic and polar, at codon 2140 of the KMT2D protein (p.Asp2140Glu).